The following is an entry in ClinVar:

ClinVar aggregate classification (germline): Uncertain significance (1 of 4 stars; one submission).

Allele frequency attached by ClinVar (database versions not stated): gnomAD exomes 0.00001; TOPMed 0.00001.
gnomAD v4.1: 4 of 1,614,138 alleles (0.00025%); highest among the groups gnomAD compares: Admixed American, 0.0067%; no homozygotes.

Submission:

Labcorp Genetics (formerly Invitae), Labcorp
Classification: Uncertain significance. Last evaluated: 2024-04-04. Review status: criteria provided, single submitter. Criteria: Invitae Variant Classification Sherloc (09022015). Collection method: clinical testing. Allele origin: germline.
Comment: This sequence change replaces asparagine, which is neutral and polar, with threonine, which is neutral and polar, at codon 655 of the FAT2 protein (p.Asn655Thr). This variant is present in population databases (no rsID available, gnomAD 0.01%). This variant has not been reported in the literature in individuals affected with FAT2-related conditions. Advanced modeling of protein sequence and biophysical properties (such as structural, functional, and spatial information, amino acid conservation, physicochemical variation, residue mobility, and thermodynamic stability) performed at Invitae indicates that this missense variant is not expected to disrupt FAT2 protein function with a negative predictive value of 80%. In summary, the available evidence is currently insufficient to determine the role of this variant in disease. Therefore, it has been classified as a Variant of Uncertain Significance.

NM_001447.3(FAT2):c.1964A>C (p.Asn655Thr)

Gene: FAT2 (FAT atypical cadherin 2; minus strand). Cytogenetic location: 5q33.1.
Variant type: single nucleotide variant.
Coding change: c.1964A>C on transcript NM_001447.3 (MANE Select); coding-DNA position 1964, A replaced by C.
Protein change: p.Asn655Thr; replaces asparagine 655 with threonine.
Molecular consequence: missense variant.
Genome position (GRCh38, 1-based): chr5:151,566,968, T>G on the plus strand (A>C on the coding strand, the complement: FAT2 is on the minus strand). VCF-style: chr5-151566968-T-G. GRCh37 (hg19) VCF-style: chr5-150946529-T-G.
Other names: short protein forms N655T.
Identifiers: ClinVar variation 2777946 (VCV002777946.3), dbSNP rs1295987408, ClinGen allele CA361853367.